The following is an entry in ClinVar:

ClinVar aggregate classification (germline): Pathogenic (1 of 4 stars; one submission).

Conditions:
Dyskeratosis congenita, autosomal recessive 5 (DKCB5). Identifiers: MedGen C3554656, MONDO:0014076, OMIM 615190.
Pulmonary fibrosis and/or bone marrow failure, Telomere-related, 3. Also called: PULMONARY FIBROSIS AND/OR BONE MARROW FAILURE SYNDROME, TELOMERE-RELATED, 3. Identifiers: Orphanet 2032, MedGen C4225346, MONDO:0014613, OMIM 616373.

Submission:

Labcorp Genetics (formerly Invitae), Labcorp
Classification: Pathogenic for Dyskeratosis congenita, autosomal recessive 5; Pulmonary fibrosis and/or bone marrow failure, Telomere-related, 3. Last evaluated: 2023-05-01. Review status: criteria provided, single submitter. Criteria: Invitae Variant Classification Sherloc (09022015). Collection method: clinical testing. Allele origin: germline.
Comment: This sequence change creates a premature translational stop signal (p.Thr997Leufs*10) in the RTEL1 gene. It is expected to result in an absent or disrupted protein product. Loss-of-function variants in RTEL1 are known to be pathogenic (PMID: 23453664, 23959892, 25607374). This variant is not present in population databases (gnomAD no frequency). This variant has not been reported in the literature in individuals affected with RTEL1-related conditions. ClinVar contains an entry for this variant (Variation ID: 1902519). For these reasons, this variant has been classified as Pathogenic.

Literature cited by the submitters: PubMed 23453664; PubMed 23959892; PubMed 25607374.

NM_001283009.2(RTEL1):c.2988del (p.Thr997fs)

Genes: RTEL1 (regulator of telomere elongation helicase 1; plus strand), RTEL1-TNFRSF6B (RTEL1-TNFRSF6B readthrough (NMD candidate); plus strand). Cytogenetic location: 20q13.33.
Variant type: Deletion.
Coding change: c.2988del on transcript NM_001283009.2 (MANE Select); coding-DNA position 2988, one base deleted (C; older notation c.2988delC).
Protein change: p.Thr997fs; shifts the reading frame from threonine 997.
Molecular consequence: frameshift variant. On other transcripts: non-coding transcript variant (1).
Genome position (GRCh38, 1-based): chr20:63,693,279, C deleted; the last of 4 consecutive C bases (chr20:63,693,276-63,693,279); deleting any one gives the same sequence. VCF-style (leftmost placement, unchanged base first): chr20-63693275-AC-A. GRCh37 (hg19) VCF-style: chr20-62324628-AC-A.
Other names: c.2319del, p.Thr774fs (NM_001283010.1); c.2988del, p.Thr997fs (NM_016434.4); c.3060del, p.Thr1021fs (NM_032957.5); short protein forms T1021fs, T774fs, T997fs.
Identifiers: ClinVar variation 1902519 (VCV001902519.5), dbSNP rs2517170616, ClinGen allele CA2580098512.